The following is an entry in ClinVar:

ClinVar aggregate classification (germline): Uncertain significance (1 of 4 stars; one submission).

Conditions:
Cardiomyopathy (CMYO). Also called: Cardiomyopathies. Identifiers: Orphanet 167848, MedGen C0878544, MONDO:0004994, HP:0001638. Inheritance: Various modes of inheritance.

Submission:

Color Diagnostics, LLC DBA Color Health
Classification: Uncertain significance for Cardiomyopathy. Last evaluated: 2025-06-23. Review status: criteria provided, single submitter. Criteria: ACMG Guidelines, 2015. Collection method: clinical testing. Allele origin: germline.
Comment: This missense variant replaces glutamic acid with glycine at codon 416 of the DSP protein. Computational prediction suggests that this variant may not impact protein structure and function. To our knowledge, functional studies have not been reported for this variant. This variant has not been reported in individuals affected with DSP-related disorders in the literature. This variant has not been identified in the general population by the Genome Aggregation Database (gnomAD). The available evidence is insufficient to determine the role of this variant in disease conclusively. Therefore, this variant is classified as a Variant of Uncertain Significance.

NM_004415.4(DSP):c.1247A>G (p.Glu416Gly)

Gene: DSP (desmoplakin; plus strand). Cytogenetic location: 6p24.3.
Variant type: single nucleotide variant.
Coding change: c.1247A>G on transcript NM_004415.4 (MANE Select); coding-DNA position 1247, A replaced by G.
Protein change: p.Glu416Gly; replaces glutamic acid 416 with glycine.
Molecular consequence: missense variant.
Genome position (GRCh38, 1-based): chr6:7,567,887, A>G. VCF-style: chr6-7567887-A-G. GRCh37 (hg19) VCF-style: chr6-7568120-A-G.
Other names: c.1247A>G, p.Glu416Gly (NM_001008844.3, NM_001319034.2, NM_001406591.1); short protein forms E416G.
Identifiers: ClinVar variation 4757026 (VCV004757026.1).
Genomic context (GRCh38, chr6:7,567,887, plus strand): 5'-AGGACTCCATCAGGAAGAAGTACCCCTGCGACAAGAACATGCCCCTGCAGCACCTGCTGG[A>G]ACAGATCAAGGAGCTGGAGGTATCGTCTCAGACCCAGAACCTCAGCAGCTGTGCCTGATC-3'
Protein context (NP_004406.2, residues 406-426): DKNMPLQHLL[Glu416Gly]QIKELEKERE